The following is an entry in ClinVar:

NM_145038.5(DRC1):c.2126C>T (p.Thr709Ile)

Gene: DRC1 (dynein regulatory complex subunit 1; plus strand). Cytogenetic location: 2p23.3.
Variant type: single nucleotide variant.
Coding change: c.2126C>T on transcript NM_145038.5 (MANE Select); coding-DNA position 2126, C replaced by T.
Protein change: p.Thr709Ile; replaces threonine 709 with isoleucine.
Molecular consequence: missense variant.
Genome position (GRCh38, 1-based): chr2:26,455,193, C>T. VCF-style: chr2-26455193-C-T. GRCh37 (hg19) VCF-style: chr2-26678061-C-T.
Other names: short protein forms T709I.
Identifiers: ClinVar variation 856930 (VCV000856930.9), dbSNP rs767091604, ClinGen allele CA1562524.
Genomic context (GRCh38, chr2:26,455,193, plus strand): 5'-TTGTCCTGACCCAGAGGGCCAAGCTGCTGCTGGAAAACAGTTCTCTGGAGCAGCAGAACA[C>T]AGAGCTGCAGGCGCTACTGCAGCAGTATCTGAACTCCAAGGTGGGCGGCGGGGCCTTCCA-3'
Protein context (NP_659475.2, residues 699-719): LENSSLEQQN[Thr709Ile]ELQALLQQYL

ClinVar aggregate classification (germline): Uncertain significance (1 of 4 stars; one submission).

Conditions:
Primary ciliary dyskinesia. Also called: Ciliary dyskinesia. Identifiers: Orphanet 244, MedGen C0008780, MONDO:0016575, HP:0012265.

Allele frequency attached by ClinVar (database versions not stated): gnomAD 0.00001 and 0.00002; gnomAD exomes 0.00001 and 0.00002; ExAC 0.00002; TOPMed 0.00003.
gnomAD v4.1: 11 of 1,613,916 alleles (0.00068%); highest among the groups gnomAD compares: African/African-American, 0.011%; no homozygotes.

Submission:

Labcorp Genetics (formerly Invitae), Labcorp
Classification: Uncertain significance for Primary ciliary dyskinesia. Last evaluated: 2019-03-26. Review status: criteria provided, single submitter. Criteria: Invitae Variant Classification Sherloc (09022015). Collection method: clinical testing. Allele origin: germline.
Comment: This variant has not been reported in the literature in individuals with DRC1-related conditions. This sequence change replaces threonine with isoleucine at codon 709 of the DRC1 protein (p.Thr709Ile). The threonine residue is weakly conserved and there is a moderate physicochemical difference between threonine and isoleucine. This variant is present in population databases (rs767091604, ExAC 0.02%). Algorithms developed to predict the effect of missense changes on protein structure and function (SIFT, PolyPhen-2, Align-GVGD) all suggest that this variant is likely to be tolerated, but these predictions have not been confirmed by published functional studies and their clinical significance is uncertain. In summary, the available evidence is currently insufficient to determine the role of this variant in disease. Therefore, it has been classified as a Variant of Uncertain Significance.